The following is an entry in ClinVar:

ClinVar aggregate classification (germline): Uncertain significance. Review status: criteria provided, multiple submitters, no conflicts (2 of 4 stars). 3 submissions from 3 submitters: Uncertain significance (3). Last evaluated 2025-12-26.

Conditions:
ILK-related disorder. Also called: ILK-related condition.
Primary familial hypertrophic cardiomyopathy (HCM). Identifiers: Orphanet 99739, MedGen C0949658, MeSH D024741, MONDO:0024573. Inheritance: Various modes of inheritance.

Allele frequency attached by ClinVar (database versions not stated): gnomAD exomes 0.00001; ExAC 0.00003; gnomAD 0.00017 and 0.00019; TOPMed 0.00021; ESP Exome Variant Server 0.00023.

Submissions (3):

Labcorp Genetics (formerly Invitae), Labcorp
Classification: Uncertain significance for Primary familial hypertrophic cardiomyopathy. Last evaluated: 2025-12-26. Review status: criteria provided, single submitter. Criteria: Invitae Variant Classification Sherloc (09022015). Collection method: clinical testing. Allele origin: germline.
Comment: This sequence change replaces glutamic acid, which is acidic and polar, with glutamine, which is neutral and polar, at codon 44 of the ILK protein (p.Glu44Gln). This variant is present in population databases (rs145039481, gnomAD 0.03%). This missense change has been observed in individual(s) with sudden unexplained death (PMID: 29915097). ClinVar contains an entry for this variant (Variation ID: 432422). An algorithm developed to predict the effect of missense changes on protein structure and function (PolyPhen-2) suggests that this variant is likely to be disruptive. Algorithms developed to predict the effect of sequence changes on RNA splicing suggest that this variant may create or strengthen a splice site. In summary, the available evidence is currently insufficient to determine the role of this variant in disease. Therefore, it has been classified as a Variant of Uncertain Significance.

GeneDx
Classification: Uncertain significance. Last evaluated: 2024-02-15. Review status: criteria provided, single submitter. Criteria: GeneDx Variant Classification Process June 2021. Collection method: clinical testing. Allele origin: germline. Affected: yes.
Comment: Identified through whole exome sequencing in one case of sudden unexplained death with focal myocyte hypertrophy noted on autopsy (PMID: 29915097); At the protein level, in silico analysis supports that this missense variant does not alter protein structure/function; At the mRNA level, in silico analysis suggests this variant may impact gene splicing. In the absence of RNA/functional studies, the actual effect of this sequence change is unknown.; Variants in candidate genes are classified as variants of uncertain significance in accordance with ACMG guidelines (PMID: 25741868); This variant is associated with the following publications: (PMID: 29915097)

PreventionGenetics, part of Exact Sciences
Classification: Uncertain significance for ILK-related condition. Last evaluated: 2022-09-08. Review status: criteria provided, single submitter. Criteria: ACMG Guidelines, 2015. Collection method: clinical testing. Allele origin: germline.
Comment: The ILK c.130G>C variant is predicted to result in the amino acid substitution p.Glu44Gln. This variant was reported as uncertain significance in an individual with sudden unexplained death in the young (Shanks et al. 2018. PubMed ID: 29915097). This variant is reported in 0.020% of alleles in individuals of African descent in gnomAD. At this time, the clinical significance of this variant is uncertain due to the absence of conclusive functional and genetic evidence.

Literature cited by the submitters: PubMed 29915097 (cited by Labcorp Genetics (formerly Invitae), Labcorp).

NM_004517.4(ILK):c.130G>C (p.Glu44Gln)

Genes: TAF10 (TATA-box binding protein associated factor 10; minus strand), ILK (integrin linked kinase; plus strand). Cytogenetic location: 11p15.4.
Variant type: single nucleotide variant.
Coding change: c.130G>C on transcript NM_004517.4 (MANE Select); coding-DNA position 130, G replaced by C.
Protein change: p.Glu44Gln; replaces glutamic acid 44 with glutamine.
Molecular consequence: missense variant. On other transcripts: 3 prime UTR variant (1), intron variant (1).
Genome position (GRCh38, 1-based): chr11:6,608,086, G>C. VCF-style: chr11-6608086-G-C. GRCh37 (hg19) VCF-style: chr11-6629316-G-C.
Other names: c.130G>C, p.Glu44Gln (NM_001014794.3, NM_001014795.3, NM_001278441.2); c.*2836C>G (NM_006284.4); c.-147-308G>C (NM_001278442.2); short protein forms E44Q.
Identifiers: ClinVar variation 432422 (VCV000432422.16), dbSNP rs145039481, ClinGen allele CA5857953.
Genomic context (GRCh38, chr11:6,608,086, plus strand): 5'-CCATTGCCCCTTCCTCAAAGGGACGATCATGGCTTCTCCCCCTTGCACTGGGCCTGCCGA[G>C]AGGGCCGCTCTGCTGTGGTTGAGATGTTGATCATGCGGGGGGCACGGATCAATGTAATGA-3'
Protein context (NP_004508.1, residues 34-54): GFSPLHWACR[Glu44Gln]GRSAVVEMLI